The following is an entry in ClinVar:

NM_020320.5(RARS2):c.772-3del

Gene: RARS2 (arginyl-tRNA synthetase 2, mitochondrial; minus strand). Cytogenetic location: 6q15.
Variant type: Deletion.
Coding change: c.772-3del on transcript NM_020320.5 (MANE Select); 3 bases into the intron before coding-DNA position 772, one base deleted (T; older notation c.772-3delT).
Molecular consequence: intron variant.
Genome position (GRCh38, 1-based): chr6:87,529,651, A deleted on the plus strand (T on the coding strand, the reverse complement: RARS2 is on the minus strand); the first of 4 consecutive A bases (chr6:87,529,651-87,529,654); deleting any one gives the same sequence. VCF-style (leftmost placement, unchanged base first): chr6-87529650-TA-T. GRCh37 (hg19) VCF-style: chr6-88239368-TA-T.
Other names: c.772-3del (NM_001350505.2); c.247-3del (NM_001350509.2, NM_001318785.2, NM_001350506.2 and 4 more transcripts); c.772-3delT (NM_020320.3, NM_020320.5).
Identifiers: ClinVar variation 215073 (VCV000215073.8), dbSNP rs368859792, ClinGen allele CA320879.

ClinVar aggregate classification (germline): Likely benign. Review status: criteria provided, multiple submitters, no conflicts (2 of 4 stars). 4 submissions from 3 submitters: Likely benign (2). 2 of the submissions do not count toward it. Last evaluated 2025-10-07.

Conditions:
Pontocerebellar hypoplasia type 6 (PCH6). Identifiers: Orphanet 166073, MedGen C1969084, MONDO:0012683, OMIM 611523.

Submissions (4):

Labcorp Genetics (formerly Invitae), Labcorp
Classification: Likely benign. Last evaluated: 2025-10-07. Review status: criteria provided, single submitter. Criteria: Invitae Variant Classification Sherloc (09022015). Collection method: clinical testing. Allele origin: germline.

GeneDx
Classification: Likely benign. Last evaluated: 2015-03-03. Review status: criteria provided, single submitter. Criteria: GeneDx Variant Classification Process June 2021. Collection method: clinical testing. Allele origin: germline. Affected: yes.

Natera, Inc.
Classification: Uncertain significance for Pontocerebellar hypoplasia, type 6. Last evaluated: 2020-01-17. Review status: no assertion criteria provided. Collection method: clinical testing. Allele origin: germline. Not counted in ClinVar's aggregate classification.

GeneDx
Classification: Uncertain significance. Last evaluated: 2013-05-24. Review status: flagged submission. Criteria: GeneDx Variant Classification (06012015). Collection method: clinical testing. Allele origin: germline. Affected: yes. Not counted in ClinVar's aggregate classification.
Comment: c.772-3delT: IVS9-3delT in intron 9 of the RARS2 gene (NM_020320.3) A variant of unknown significance has been identified in the RARS2 gene. The c.772-3delT sequence change has not been published as a mutation, nor has it been reported as a benign polymorphism to our knowledge. In-silico splice prediction models predict that c.772-3delT decreases the efficiency of the natural splice acceptor site in intron 9, which may lead to abnormal gene splicing. However, the true effect on splicing in vivo is not known. Therefore, based on the currently available information, it is unclear whether c.772-3delT is a disease-causing mutation or a rare benign variant. The variant is found in MITONUC-MITOP panel(s).
ClinVar note: Reason: This record appears to be redundant with a more recent record from the same submitter.
ClinVar note: Notes: SCV000252176 appears to be redundant with SCV001778265.